The following is an entry in ClinVar:

NM_000179.3(MSH6):c.2525C>T (p.Ala842Val)

Gene: MSH6 (mutS homolog 6; plus strand). Cytogenetic location: 2p16.3.
Variant type: single nucleotide variant.
Coding change: c.2525C>T on transcript NM_000179.3 (MANE Select); coding-DNA position 2525, C replaced by T.
Protein change: p.Ala842Val; replaces alanine 842 with valine.
Molecular consequence: missense variant.
Genome position (GRCh38, 1-based): chr2:47,800,508, C>T. VCF-style: chr2-47800508-C-T. GRCh37 (hg19) VCF-style: chr2-48027647-C-T.
Other names: c.2135C>T, p.Ala712Val (NM_001281492.2); c.1619C>T, p.Ala540Val (NM_001281493.2, NM_001281494.2); short protein forms A540V, A712V, A842V.
Identifiers: ClinVar variation 1025715 (VCV001025715.13), dbSNP rs876660180, ClinGen allele CA346754413.

ClinVar aggregate classification (germline): Uncertain significance. Review status: criteria provided, multiple submitters, no conflicts (2 of 4 stars). 4 submissions from 4 submitters: Uncertain significance (4). Last evaluated 2025-10-12.

Conditions:
Hereditary cancer-predisposing syndrome. Also called: Neoplastic Syndromes, Hereditary; Tumor predisposition; Hereditary Cancer Syndrome; Hereditary neoplastic syndrome. Identifiers: Orphanet 140162, MedGen C0027672, MeSH D009386, MONDO:0015356.
Mismatch repair cancer syndrome 3. Identifiers: MedGen C5436807, MONDO:0030841, OMIM 619097.
Hereditary nonpolyposis colorectal neoplasms. Identifiers: MedGen C0009405, MeSH D003123.

Submissions (4):

Color Diagnostics, LLC DBA Color Health
Classification: Uncertain significance for Hereditary cancer-predisposing syndrome. Last evaluated: 2025-10-12. Review status: criteria provided, single submitter. Criteria: ACMG Guidelines, 2015. Collection method: clinical testing. Allele origin: germline.
Comment: This missense variant replaces alanine with valine at codon 842 of the MSH6 protein. Computational prediction suggests that this variant may have deleterious impact on protein structure and function. To our knowledge, functional studies have not been reported for this variant. This variant has not been reported in individuals affected with MSH6-related disorders in the literature. This variant has not been identified in the general population by the Genome Aggregation Database (gnomAD). The available evidence is insufficient to determine the role of this variant in disease conclusively. Therefore, this variant is classified as a Variant of Uncertain Significance.

Labcorp Genetics (formerly Invitae), Labcorp
Classification: Uncertain significance for Hereditary nonpolyposis colorectal neoplasms. Last evaluated: 2025-07-16. Review status: criteria provided, single submitter. Criteria: Invitae Variant Classification Sherloc (09022015). Collection method: clinical testing. Allele origin: germline.
Comment: This sequence change replaces alanine, which is neutral and non-polar, with valine, which is neutral and non-polar, at codon 842 of the MSH6 protein (p.Ala842Val). This variant is not present in population databases (gnomAD no frequency). This variant has not been reported in the literature in individuals affected with MSH6-related conditions. ClinVar contains an entry for this variant (Variation ID: 1025715). Invitae Evidence Modeling of protein sequence and biophysical properties (such as structural, functional, and spatial information, amino acid conservation, physicochemical variation, residue mobility, and thermodynamic stability) indicates that this missense variant is not expected to disrupt MSH6 protein function with a negative predictive value of 95%. In summary, the available evidence is currently insufficient to determine the role of this variant in disease. Therefore, it has been classified as a Variant of Uncertain Significance.

Ambry Genetics
Classification: Uncertain significance for Hereditary cancer-predisposing syndrome. Last evaluated: 2025-06-13. Review status: criteria provided, single submitter. Criteria: Ambry Variant Classification Scheme 2023. Collection method: clinical testing. Allele origin: germline.
Comment: The p.A842V variant (also known as c.2525C>T), located in coding exon 4 of the MSH6 gene, results from a C to T substitution at nucleotide position 2525. The alanine at codon 842 is replaced by valine, an amino acid with similar properties. This amino acid position is highly conserved in available vertebrate species. In addition, this alteration is predicted to be deleterious by in silico analysis. Based on the available evidence, the clinical significance of this variant remains unclear.

Department of Pathology and Laboratory Medicine, Sinai Health System
Classification: Uncertain significance for Mismatch repair cancer syndrome 3. Last evaluated: 2023-07-06. Review status: criteria provided, single submitter. Criteria: ACMG Guidelines, 2015. Collection method: clinical testing. Allele origin: germline. Affected: yes.